The following is an entry in ClinVar:

NM_005045.4(RELN):c.5044G>A (p.Val1682Ile)

Gene: RELN (reelin; minus strand). Cytogenetic location: 7q22.1.
Variant type: single nucleotide variant.
Coding change: c.5044G>A on transcript NM_005045.4 (MANE Select); coding-DNA position 5044, G replaced by A.
Protein change: p.Val1682Ile; replaces valine 1682 with isoleucine.
Molecular consequence: missense variant.
Genome position (GRCh38, 1-based): chr7:103,565,444, C>T on the plus strand (G>A on the coding strand, the complement: RELN is on the minus strand). VCF-style: chr7-103565444-C-T. GRCh37 (hg19) VCF-style: chr7-103205891-C-T.
Other names: c.5044G>A, p.Val1682Ile (NM_173054.3); short protein forms V1682I.
Identifiers: ClinVar variation 167584 (VCV000167584.12), dbSNP rs727504125, ClinGen allele CA234784.

ClinVar aggregate classification (germline): Uncertain significance. Review status: criteria provided, multiple submitters, no conflicts (2 of 4 stars). 2 submissions from 2 submitters: Uncertain significance (2). Last evaluated 2022-07-09.

Conditions:
Familial temporal lobe epilepsy 7. Identifiers: Orphanet 101046, MedGen C4225327, MONDO:0014639, OMIM 616436.
Norman-Roberts syndrome (LIS2). Also called: Lissencephaly 2 (Norman-Roberts type). Identifiers: Orphanet 89844, MedGen C0796089, MONDO:0009760, OMIM 257320.

Allele frequency attached by ClinVar (database versions not stated): TOPMed 0.00003; gnomAD exomes below 0.00001; ExAC 0.00001.
gnomAD v4.1: 9 of 1,613,784 alleles (0.00056%); highest among the groups gnomAD compares: Admixed American, 0.0033%; no homozygotes.

Submissions (2):

Labcorp Genetics (formerly Invitae), Labcorp
Classification: Uncertain significance for Familial temporal lobe epilepsy 7; Norman-Roberts syndrome. Last evaluated: 2022-07-09. Review status: criteria provided, single submitter. Criteria: Invitae Variant Classification Sherloc (09022015). Collection method: clinical testing. Allele origin: germline.
Comment: In summary, the available evidence is currently insufficient to determine the role of this variant in disease. Therefore, it has been classified as a Variant of Uncertain Significance. Algorithms developed to predict the effect of missense changes on protein structure and function output the following: SIFT: "Tolerated"; PolyPhen-2: "Benign"; Align-GVGD: "Class C0". The isoleucine amino acid residue is found in multiple mammalian species, which suggests that this missense change does not adversely affect protein function. ClinVar contains an entry for this variant (Variation ID: 167584). This variant has not been reported in the literature in individuals affected with RELN-related conditions. This variant is present in population databases (rs727504125, gnomAD 0.0009%). This sequence change replaces valine, which is neutral and non-polar, with isoleucine, which is neutral and non-polar, at codon 1682 of the RELN protein (p.Val1682Ile).

Eurofins Ntd Llc (ga)
Classification: Uncertain significance. Last evaluated: 2014-04-01. Review status: criteria provided, single submitter. Criteria: EGL Classification Definitions 2015. Collection method: clinical testing. Allele origin: germline. Observed: 1 variant allele, 1 heterozygote.